The following is an entry in ClinVar:

NM_007294.4(BRCA1):c.4986+3G>A

Gene: BRCA1 (BRCA1 DNA repair associated; minus strand). Cytogenetic location: 17q21.31.
Variant type: single nucleotide variant.
Coding change: c.4986+3G>A on transcript NM_007294.4 (MANE Select); 3 bases into the intron after coding-DNA position 4986, G replaced by A.
Molecular consequence: intron variant.
Genome position (GRCh38, 1-based): chr17:43,070,925, C>T on the plus strand (G>A on the coding strand, the complement: BRCA1 is on the minus strand). VCF-style: chr17-43070925-C-T. GRCh37 (hg19) VCF-style: chr17-41222942-C-T.
Other names: c.4842+3G>A (NM_001407741.1, NM_001407747.1, NM_001407745.1 and 21 more transcripts); c.1596+3G>A (NM_001408415.1, NM_001408412.1, NM_001408413.1 and 2 more transcripts); c.1464+3G>A (NM_001408483.1, NM_001408491.1, NM_001408481.1 and 5 more transcripts); c.4980+3G>A (NM_001407634.1, NM_001407632.1, NM_001407627.1 and 14 more transcripts); c.4983+3G>A (NM_001407610.1, NM_001407621.1, NM_001407613.1 and 17 more transcripts); c.1551+3G>A (NM_001408442.1, NM_001408436.1, NM_001408435.1 and 10 more transcripts); c.1554+3G>A (NM_001408426.1, NM_001408430.1, NM_001408427.1 and 4 more transcripts); c.1674+3G>A (NM_001407982.1, NM_001407980.1, NM_001407993.1 and 12 more transcripts); and 71 more.
Identifiers: ClinVar variation 868481 (VCV000868481.4), dbSNP rs80358023, ClinGen allele CA916080195.
Genomic context (GRCh38, chr17:43,070,925, plus strand): 5'-AAAACTCTTTCCAGAATGTTGTTAAGTCTTAGTCATTAGGGAGATACATATGGATACACT[C>T]ACAAATTCTTCTGGGGTCAGGCCAGACACCACCATGGACATTCTTTTGTTGACCCTTTCT-3'

ClinVar aggregate classification (germline): Uncertain significance (1 of 4 stars; one submission).

Conditions:
Hereditary breast ovarian cancer syndrome. Also called: Hereditary breast and ovarian cancer; Hereditary breast and ovarian cancer syndrome (HBOC); Breast and ovarian cancer; Hereditary breast and/or ovarian cancer syndrome; BRCA1- and BRCA2-Associated Hereditary Breast and Ovarian Cancer; Hereditary breast and ovarian cancer syndrome. Identifiers: Orphanet 145, MedGen C0677776, MeSH D061325, MONDO:0003582. Disease mechanism: loss of function.

Submissions (2):

Labcorp Genetics (formerly Invitae), Labcorp
Classification: Uncertain significance for Hereditary breast ovarian cancer syndrome. Last evaluated: 2025-06-15. Review status: criteria provided, single submitter. Criteria: Invitae Variant Classification Sherloc (09022015). Collection method: clinical testing. Allele origin: germline.
Comment: This sequence change falls in intron 15 of the BRCA1 gene. It does not directly change the encoded amino acid sequence of the BRCA1 protein. It affects a nucleotide within the consensus splice site. This variant is not present in population databases (gnomAD no frequency). This variant has not been reported in the literature in individuals affected with BRCA1-related conditions. ClinVar contains an entry for this variant (Variation ID: 868481). Algorithms developed to predict the effect of variants on gene product structure and function are not available or were not evaluated for this variant. Experimental studies are conflicting or provide insufficient evidence to determine the effect of this variant on BRCA1 function (PMID: 31467430). Variants that disrupt the consensus splice site are a relatively common cause of aberrant splicing (PMID: 17576681, 9536098). Algorithms developed to predict the effect of sequence changes on RNA splicing suggest that this variant is not likely to affect RNA splicing. This variant disrupts the c.4986+3G nucleotide in the BRCA1 gene. Other variant(s) that disrupt this nucleotide have been determined to be pathogenic (PMID: 12491499, 18465347, 23239986, 23772696, 25682074, 25971625, 29446198). This suggests that this nucleotide is clinically significant, and that variants that disrupt this position are likely to be disease-causing. In summary, the available evidence is currently insufficient to determine the role of this variant in disease. Therefore, it has been classified as a Variant of Uncertain Significance.

Brotman Baty Institute, University of Washington
No classification provided (evidence only). Condition: Breast-ovarian cancer, familial 1. Review status: no classification provided. Collection method: in vitro. Allele origin: not applicable. Functional consequence: functionally_normal. Not counted in ClinVar's aggregate classification.
ClinVar note: "not provided" was previously submitted as the classification for the variant. However, the classification appeared to be based only on an observation of functional data so it was converted to no classification on 2025-07-30.

Literature cited by the submitters: PubMed 31467430 (cited by Labcorp Genetics (formerly Invitae), Labcorp); PubMed 17576681 (cited by Labcorp Genetics (formerly Invitae), Labcorp); PubMed 9536098 (cited by Labcorp Genetics (formerly Invitae), Labcorp); PubMed 12491499 (cited by Labcorp Genetics (formerly Invitae), Labcorp); PubMed 18465347 (cited by Labcorp Genetics (formerly Invitae), Labcorp); PubMed 23239986 (cited by Labcorp Genetics (formerly Invitae), Labcorp); PubMed 23772696 (cited by Labcorp Genetics (formerly Invitae), Labcorp); PubMed 25682074 (cited by Labcorp Genetics (formerly Invitae), Labcorp); PubMed 25971625 (cited by Labcorp Genetics (formerly Invitae), Labcorp); PubMed 29446198 (cited by Labcorp Genetics (formerly Invitae), Labcorp).